The following is an entry in ClinVar:

NM_001543.5(NDST1):c.348G>A (p.Ala116=)

Gene: NDST1 (N-deacetylase and N-sulfotransferase 1; plus strand). Cytogenetic location: 5q33.1.
Variant type: single nucleotide variant.
Coding change: c.348G>A on transcript NM_001543.5 (MANE Select); coding-DNA position 348, G replaced by A.
Protein change: p.Ala116=; no amino-acid change (alanine 116 retained).
Molecular consequence: synonymous variant.
Genome position (GRCh38, 1-based): chr5:150,521,602, G>A. VCF-style: chr5-150521602-G-A. GRCh37 (hg19) VCF-style: chr5-149901164-G-A.
Other names: c.348G>A, p.Ala116= (NM_001301063.2).
Identifiers: ClinVar variation 2079141 (VCV002079141.21), dbSNP rs73272685, ClinGen allele CA3512385.
Genomic context (GRCh38, chr5:150,521,602, plus strand): 5'-GGGCCAGGAGGTGGTGGCCATCCTGGAGTCCAGCCGCTTCAAATACCGCACAGAGATTGC[G>A]CCGGGCAAGGGTGACATGCCCACGCTCACTGACAAGGGCCGTGGCCGCTTCGCCCTCATC-3'
Protein context (NP_001534.1, residues 106-126): SSRFKYRTEI[Ala116=]PGKGDMPTLT

ClinVar aggregate classification (germline): Benign/Likely benign. Review status: criteria provided, multiple submitters, no conflicts (2 of 4 stars). 3 submissions from 3 submitters: Benign (1); Likely benign (2). Last evaluated 2025-07-29.

Allele frequency attached by ClinVar (database versions not stated): ESP Exome Variant Server 0.00085; 1000 Genomes Project 30x 0.00187; 1000 Genomes Project 0.00200.
gnomAD v4.1: 341 of 1,614,036 alleles (0.021%); highest among the groups gnomAD compares: African/African-American, 0.38%; no homozygotes.

Submissions (3):

Labcorp Genetics (formerly Invitae), Labcorp
Classification: Benign. Last evaluated: 2025-07-29. Review status: criteria provided, single submitter. Criteria: Invitae Variant Classification Sherloc (09022015). Collection method: clinical testing. Allele origin: germline.

CeGaT Center for Human Genetics Tuebingen
Classification: Likely benign. Last evaluated: 2024-08-01. Review status: criteria provided, single submitter. Criteria: CeGaT Center For Human Genetics Tuebingen Variant Classification Criteria Version 2. Collection method: clinical testing. Allele origin: germline. Affected: yes. Observed: 1 variant allele.
Comment: NDST1: BP4, BP7

Blueprint Genetics
Classification: Likely benign. Last evaluated: 2023-10-25. Review status: criteria provided, single submitter. Criteria: ACMG Guidelines, 2015. Collection method: clinical testing. Allele origin: germline.